The following is an entry in ClinVar:

NM_000070.3(CAPN3):c.400G>A (p.Ala134Thr)

Genes: CAPN3 (calpain 3; plus strand), LOC126862115 (BRD4-independent group 4 enhancer GRCh37_chr15:42677734-42678933; plus strand). Cytogenetic location: 15q15.1.
Variant type: single nucleotide variant.
Coding change: c.400G>A on transcript NM_000070.3 (MANE Select); coding-DNA position 400, G replaced by A.
Protein change: p.Ala134Thr; replaces alanine 134 with threonine.
Molecular consequence: missense variant.
Genome position (GRCh38, 1-based): chr15:42,386,187, G>A. VCF-style: chr15-42386187-G-A. GRCh37 (hg19) VCF-style: chr15-42678385-G-A.
Other names: c.400G>A, p.Ala134Thr (NM_024344.2, NM_173087.2); short protein forms A134T.
Identifiers: ClinVar variation 4682202 (VCV004682202.1).

ClinVar aggregate classification (germline): Uncertain significance (1 of 4 stars; one submission).

Submission:

Athena Diagnostics
Classification: Uncertain significance. Last evaluated: 2025-02-21. Review status: criteria provided, single submitter. Criteria: Athena Diagnostics Criteria. Collection method: clinical testing. Allele origin: unknown.
Comment: Available data are insufficient to determine the clinical significance of the variant at this time. This variant has not been reported in large, multi-ethnic general populations. Polyphen and MutationTaster predict this amino acid change may be damaging to the protein. Computational tools yielded predictions that this variant is unlikely to have an effect on normal RNA splicing.